The following is an entry in ClinVar:

NM_003072.5(SMARCA4):c.708T>C (p.Pro236=)

Gene: SMARCA4 (SWI/SNF related BAF chromatin remodeling complex subunit ATPase 4; plus strand). Cytogenetic location: 19p13.2.
Variant type: single nucleotide variant.
Coding change: c.708T>C on transcript NM_003072.5 (MANE Select); coding-DNA position 708, T replaced by C.
Protein change: p.Pro236=; no amino-acid change (proline 236 retained).
Molecular consequence: synonymous variant. On other transcripts: non-coding transcript variant (1).
Genome position (GRCh38, 1-based): chr19:10,986,541, T>C. VCF-style: chr19-10986541-T-C. GRCh37 (hg19) VCF-style: chr19-11097217-T-C.
Other names: c.708T>C, p.Pro236= (NM_001128848.2, NM_001128849.3, NM_001374457.1 and 5 more transcripts).
Identifiers: ClinVar variation 212260 (VCV000212260.49), dbSNP rs62639303, ClinGen allele CA209363.
Genomic context (GRCh38, chr19:10,986,541, plus strand): 5'-GATGCCAACGCTACCTCCACCCTCGGTGTCCGCAACAGGACCCGGCCCTGGCCCTGGCCC[T>C]GGCCCCGGCCCGGGTCCCGGCCCGGCACCTCCAAATTACAGCAGGCCTCATGGTAAGACT-3'
Protein context (NP_003063.2, residues 226-246): SATGPGPGPG[Pro236=]GPGPGPGPAP

ClinVar aggregate classification (germline): Benign/Likely benign. Review status: criteria provided, multiple submitters, no conflicts (2 of 4 stars). 12 submissions from 12 submitters: Benign (5); Likely benign (7). Last evaluated 2026-09-01.

Conditions:
Coffin-Siris syndrome. Identifiers: Orphanet 1465, MedGen C0265338, MONDO:0015452.
Intellectual disability, autosomal dominant 16 (CSS4). Also called: COFFIN-SIRIS SYNDROME 4. Identifiers: Orphanet 1465, MedGen C3553249, MONDO:0013821, OMIM 614609.
Rhabdoid tumor predisposition syndrome 2 (RTPS2). Identifiers: Orphanet 231108, Orphanet 69077, MedGen C2750074, MONDO:0013224, OMIM 613325.
Hereditary cancer-predisposing syndrome. Also called: Neoplastic Syndromes, Hereditary; Tumor predisposition; Hereditary Cancer Syndrome; Hereditary neoplastic syndrome. Identifiers: Orphanet 140162, MedGen C0027672, MeSH D009386, MONDO:0015356.

Allele frequency attached by ClinVar (database versions not stated): ESP Exome Variant Server 0.00037; 1000 Genomes Project 30x 0.00109; 1000 Genomes Project 0.00120; ExAC 0.00034; gnomAD exomes 0.00020 and 0.00044; TOPMed 0.00213.
gnomAD v4.1: 556 of 1,540,592 alleles (0.036%); highest among the groups gnomAD compares: African/African-American, 0.66%; 1 homozygote.

Submissions (12):

CeGaT Center for Human Genetics Tuebingen
Classification: Likely benign. Last evaluated: 2026-09-01. Review status: criteria provided, single submitter. Criteria: CeGaT Center For Human Genetics Tuebingen Variant Classification Criteria Version 2. Collection method: clinical testing. Allele origin: germline. Affected: yes. Observed: 6 variant alleles.
Comment: SMARCA4: BP4, BP7, BS1

Myriad Genetics, Inc.
Classification: Benign for Rhabdoid tumor predisposition syndrome 2. Last evaluated: 2026-07-09. Review status: criteria provided, single submitter. Criteria: Myriad Autosomal Dominant, Autosomal Recessive and X-Linked Classification Criteria (2023). Collection method: clinical testing. Allele origin: unknown.
Comment: This variant is considered benign. This variant is a silent/synonymous amino acid change and it is not expected to impact splicing.

Labcorp Genetics (formerly Invitae), Labcorp
Classification: Benign for Rhabdoid tumor predisposition syndrome 2. Last evaluated: 2026-02-04. Review status: criteria provided, single submitter. Criteria: Invitae Variant Classification Sherloc (09022015). Collection method: clinical testing. Allele origin: germline.

Blueprint Genetics
Classification: Likely benign. Last evaluated: 2024-09-09. Review status: criteria provided, single submitter. Criteria: ACMG Guidelines, 2015. Collection method: clinical testing. Allele origin: germline.

GeneDx
Classification: Likely benign. Last evaluated: 2021-10-25. Review status: criteria provided, single submitter. Criteria: GeneDx Variant Classification Process June 2021. Collection method: clinical testing. Allele origin: germline. Affected: yes.

Genome-Nilou Lab
Classification: Benign for Intellectual disability, autosomal dominant 16. Last evaluated: 2021-07-15. Review status: criteria provided, single submitter. Criteria: ACMG Guidelines, 2015. Collection method: clinical testing. Allele origin: germline. Affected: no.

Sema4
Classification: Benign for Hereditary cancer-predisposing syndrome. Last evaluated: 2020-09-01. Review status: criteria provided, single submitter. Criteria: Sema4 Curation Guidelines. Collection method: curation. Allele origin: germline.

Eurofins Ntd Llc (ga)
Classification: Likely benign. Last evaluated: 2018-04-06. Review status: criteria provided, single submitter. Criteria: EGL ClinVar v180209 classification definitions. Collection method: clinical testing. Allele origin: germline. Observed: 1 variant allele, 1 heterozygote.

Illumina Laboratory Services, Illumina
Classification: Benign for Coffin-Siris syndrome. Last evaluated: 2018-01-12. Review status: criteria provided, single submitter. Criteria: ICSL Variant Classification Criteria 13 December 2019. Collection method: clinical testing. Allele origin: germline.
Comment: This variant was observed in the ICSL laboratory as part of a predisposition screen in an ostensibly healthy population. It had not been previously curated by ICSL or reported in the Human Gene Mutation Database (HGMD: prior to June 1st, 2018), and was therefore a candidate for classification through an automated scoring system. Utilizing variant allele frequency, disease prevalence and penetrance estimates, and inheritance mode, an automated score was calculated to assess if this variant is too frequent to cause the disease. Based on the score and internal cut-off values, a variant classified as benign is not then subjected to further curation. The score for this variant resulted in a classification of benign for this disease.

Genetic Services Laboratory, University of Chicago
Classification: Likely benign. Last evaluated: 2017-04-24. Review status: criteria provided, single submitter. Criteria: ACMG Guidelines, 2015. Collection method: clinical testing. Allele origin: germline. Affected: no.

Ambry Genetics
Classification: Likely benign for Hereditary cancer-predisposing syndrome. Last evaluated: 2015-06-22. Review status: criteria provided, single submitter. Criteria: Ambry Variant Classification Scheme 2023. Collection method: clinical testing. Allele origin: germline.

Breakthrough Genomics
Classification: Likely benign. Review status: criteria provided, single submitter. Criteria: ACMG Guidelines, 2015. Collection method: not provided. Allele origin: germline. Inheritance: Autosomal dominant inheritance. Affected: yes.